The following is an entry in ClinVar:

ClinVar aggregate classification (germline): Pathogenic. Review status: criteria provided, single submitter (1 of 4 stars). 2 submissions from 2 submitters: Pathogenic (1). 1 of the submissions does not count toward it. Last evaluated 2024-12-02.

Conditions:
Ornithine carbamoyltransferase deficiency (OTCD). Also called: ORNITHINE TRANSCARBAMYLASE DEFICIENCY, HYPERAMMONEMIA DUE TO; ORNITHINE TRANSCARBAMYLASE DEFICIENCY; OTC DEFICIENCY; Ornithine Carbamoyltransferase Deficiency Disease. Identifiers: Orphanet 664, MedGen C0268542, MONDO:0010703, OMIM 311250.

Submissions (2):

Labcorp Genetics (formerly Invitae), Labcorp
Classification: Pathogenic for Ornithine carbamoyltransferase deficiency. Last evaluated: 2024-12-02. Review status: criteria provided, single submitter. Criteria: Invitae Variant Classification Sherloc (09022015). Collection method: clinical testing. Allele origin: germline.
Comment: This sequence change replaces arginine, which is basic and polar, with leucine, which is neutral and non-polar, at codon 320 of the OTC protein (p.Arg320Leu). This variant is not present in population databases (gnomAD no frequency). This missense change has been observed in individual(s) with ornithine transcarbamylase deficiency (PMID: 1671317, 10946359). ClinVar contains an entry for this variant (Variation ID: 97372). Invitae Evidence Modeling of protein sequence and biophysical properties (such as structural, functional, and spatial information, amino acid conservation, physicochemical variation, residue mobility, and thermodynamic stability) has been performed for this missense variant. However, the output from this modeling did not meet the statistical confidence thresholds required to predict the impact of this variant on OTC protein function. Experimental studies have shown that this missense change affects OTC function (PMID: 37146589). This variant disrupts the p.Arg320 amino acid residue in OTC. Other variant(s) that disrupt this residue have been determined to be pathogenic (internal data). This suggests that this residue is clinically significant, and that variants that disrupt this residue are likely to be disease-causing. For these reasons, this variant has been classified as Pathogenic.

GenMed Metabolism Lab
Classification: Pathogenic. Review status: no assertion criteria provided. Collection method: not provided. Allele origin: unknown. Not counted in ClinVar's aggregate classification.
Comment: p.Arg320Leu, Neonatal, CpG dinucleotide
ClinVar note: Converted during submission from pathogenic to Pathogenic.

Literature cited by the submitters: PubMed 1671317 (cited by Labcorp Genetics (formerly Invitae), Labcorp); PubMed 10946359 (cited by Labcorp Genetics (formerly Invitae), Labcorp); PubMed 37146589 (cited by Labcorp Genetics (formerly Invitae), Labcorp).

NM_000531.6(OTC):c.959G>T (p.Arg320Leu)

Gene: OTC (ornithine transcarbamylase; plus strand). Cytogenetic location: Xp11.4.
Variant type: single nucleotide variant.
Coding change: c.959G>T on transcript NM_000531.6 (MANE Select); coding-DNA position 959, G replaced by T.
Protein change: p.Arg320Leu; replaces arginine 320 with leucine.
Molecular consequence: missense variant.
Genome position (GRCh38, 1-based): chrX:38,411,953, G>T. VCF-style: chrX-38411953-G-T. GRCh37 (hg19) VCF-style: chrX-38271206-G-T.
Other names: short protein forms R320L.
Identifiers: ClinVar variation 97372 (VCV000097372.10), dbSNP rs72558474, ClinGen allele CA224858.